The following is an entry in ClinVar:

NM_013432.5(TONSL):c.601C>G (p.Leu201Val)

Gene: TONSL (tonsoku like, DNA repair protein; minus strand). Cytogenetic location: 8q24.3.
Variant type: single nucleotide variant.
Coding change: c.601C>G on transcript NM_013432.5 (MANE Select); coding-DNA position 601, C replaced by G.
Protein change: p.Leu201Val; replaces leucine 201 with valine.
Molecular consequence: missense variant.
Genome position (GRCh38, 1-based): chr8:144,442,390, G>C on the plus strand (C>G on the coding strand, the complement: TONSL is on the minus strand). VCF-style: chr8-144442390-G-C. GRCh37 (hg19) VCF-style: chr8-145667773-G-C.
Other names: c.601C>G (NM_013432.4); short protein forms L201V.
Identifiers: ClinVar variation 1956471 (VCV001956471.3), dbSNP rs145842860, ClinGen allele CA4943581.

ClinVar aggregate classification (germline): Uncertain significance. Review status: criteria provided, multiple submitters, no conflicts (2 of 4 stars). 2 submissions from 2 submitters: Uncertain significance (2). Last evaluated 2023-12-26.

Conditions:
Inborn genetic diseases. Identifiers: MedGen C0950123, MeSH D030342.

Allele frequency attached by ClinVar (database versions not stated): ExAC 0.00007; gnomAD 0.00007; TOPMed 0.00007; ESP Exome Variant Server 0.00015; 1000 Genomes Project 30x 0.00016; 1000 Genomes Project 0.00020.

Submissions (2):

Ambry Genetics
Classification: Uncertain significance for Inborn genetic diseases. Last evaluated: 2023-12-26. Review status: criteria provided, single submitter. Criteria: Ambry Variant Classification Scheme 2023. Collection method: clinical testing. Allele origin: germline.

Labcorp Genetics (formerly Invitae), Labcorp
Classification: Uncertain significance. Last evaluated: 2022-05-08. Review status: criteria provided, single submitter. Criteria: Invitae Variant Classification Sherloc (09022015). Collection method: clinical testing. Allele origin: germline.
Comment: This sequence change replaces leucine, which is neutral and non-polar, with valine, which is neutral and non-polar, at codon 201 of the TONSL protein (p.Leu201Val). This variant is present in population databases (rs145842860, gnomAD 0.03%). This variant has not been reported in the literature in individuals affected with TONSL-related conditions. Algorithms developed to predict the effect of missense changes on protein structure and function are either unavailable or do not agree on the potential impact of this missense change (SIFT: "Tolerated"; PolyPhen-2: "Probably Damaging"; Align-GVGD: "Class C0"). In summary, the available evidence is currently insufficient to determine the role of this variant in disease. Therefore, it has been classified as a Variant of Uncertain Significance.